The following is an entry in ClinVar:

ClinVar aggregate classification (germline): Uncertain significance (1 of 4 stars; one submission).

Allele frequency attached by ClinVar (database versions not stated): TOPMed below 0.00001; gnomAD exomes 0.00001; ExAC 0.00002.
gnomAD v4.1: 5 of 1,614,238 alleles (0.00031%); highest among the groups gnomAD compares: Non-Finnish European, 0.00042%; no homozygotes.

Submission:

Ambry Genetics
Classification: Uncertain significance. Last evaluated: 2021-09-20. Review status: criteria provided, single submitter. Criteria: Ambry Variant Classification Scheme 2023. Collection method: clinical testing. Allele origin: germline.
Comment: The p.S186C variant (also known as c.556A>T), located in coding exon 3 of the ALPK2 gene, results from an A to T substitution at nucleotide position 556. The serine at codon 186 is replaced by cysteine, an amino acid with dissimilar properties. This amino acid position is conserved. In addition, this alteration is predicted to be tolerated by in silico analysis. Since supporting evidence is limited at this time, the clinical significance of this alteration remains unclear.

NM_052947.4(ALPK2):c.556A>T (p.Ser186Cys)

Gene: ALPK2 (alpha kinase 2; minus strand). Cytogenetic location: 18q21.31.
Variant type: single nucleotide variant.
Coding change: c.556A>T on transcript NM_052947.4 (MANE Select); coding-DNA position 556, A replaced by T.
Protein change: p.Ser186Cys; replaces serine 186 with cysteine.
Molecular consequence: missense variant.
Genome position (GRCh38, 1-based): chr18:58,580,220, T>A on the plus strand (A>T on the coding strand, the complement: ALPK2 is on the minus strand). VCF-style: chr18-58580220-T-A. GRCh37 (hg19) VCF-style: chr18-56247452-T-A.
Other names: short protein forms S186C.
Identifiers: ClinVar variation 1748345 (VCV001748345.2), dbSNP rs756122035, ClinGen allele CA8977425.